The following is an entry in ClinVar:

ClinVar aggregate classification (germline): Likely benign (1 of 4 stars; one submission).

gnomAD v4.1: 3 of 1,614,130 alleles (0.00019%); highest among the groups gnomAD compares: African/African-American, 0.0013%; no homozygotes.

Submission:

GeneDx
Classification: Likely benign. Last evaluated: 2017-04-04. Review status: criteria provided, single submitter. Criteria: GeneDx Variant Classification (06012015). Collection method: clinical testing. Allele origin: germline. Affected: yes.
Comment: This variant is considered likely benign or benign based on one or more of the following criteria: it is a conservative change, it occurs at a poorly conserved position in the protein, it is predicted to be benign by multiple in silico algorithms, and/or has population frequency not consistent with disease.

NM_001005373.4(LRSAM1):c.750+15C>G

Gene: LRSAM1 (leucine rich repeat and sterile alpha motif containing 1; plus strand). Cytogenetic location: 9q33.3.
Variant type: single nucleotide variant.
Coding change: c.750+15C>G on transcript NM_001005373.4 (MANE Select); 15 bases into the intron after coding-DNA position 750, C replaced by G.
Molecular consequence: intron variant.
Genome position (GRCh38, 1-based): chr9:127,473,946, C>G. VCF-style: chr9-127473946-C-G. GRCh37 (hg19) VCF-style: chr9-130236225-C-G.
Other names: c.750+15C>G (NM_138361.5, NM_001384142.1, NM_001384143.1 and 2 more transcripts); c.-35+15C>G (NM_001384144.1).
Identifiers: ClinVar variation 508693 (VCV000508693.1), dbSNP rs200426609, ClinGen allele CA658797275.
Genomic context (GRCh38, chr9:127,473,946, plus strand): 5'-TGATGGGCCCACGGACAGATTCTCAAGGGAGGAGTTAGAGTGGCAGGTAAGACAAGGCAG[C>G]CTGCTGCACGCATACATGTGTGTGTGTGCGTGTGCATGTATGTGTGTTGAGGGAGCTGGG-3'